The following is an entry in ClinVar:

NM_000081.4(LYST):c.4972T>C (p.Phe1658Leu)

Gene: LYST (lysosomal trafficking regulator; minus strand). Cytogenetic location: 1q42.3.
Variant type: single nucleotide variant.
Coding change: c.4972T>C on transcript NM_000081.4 (MANE Select); coding-DNA position 4972, T replaced by C.
Protein change: p.Phe1658Leu; replaces phenylalanine 1658 with leucine.
Molecular consequence: missense variant.
Genome position (GRCh38, 1-based): chr1:235,781,978, A>G on the plus strand (T>C on the coding strand, the complement: LYST is on the minus strand). VCF-style: chr1-235781978-A-G. GRCh37 (hg19) VCF-style: chr1-235945278-A-G.
Other names: c.4972T>C, p.Phe1658Leu (NM_001301365.1); c.4972T>C (NM_000081.3); short protein forms F1658L.
Identifiers: ClinVar variation 1428119 (VCV001428119.6), dbSNP rs771710044, ClinGen allele CA1466723.

ClinVar aggregate classification (germline): Uncertain significance. Review status: criteria provided, multiple submitters, no conflicts (2 of 4 stars). 2 submissions from 2 submitters: Uncertain significance (2). Last evaluated 2025-01-24.

Conditions:
Chédiak-Higashi syndrome (CHS). Also called: Chediak-Higashi Syndrome. Identifiers: Orphanet 167, MedGen C0007965, MONDO:0008963, OMIM 214500.
LYST-related disorder. Also called: LYST-related condition.

gnomAD v4.1: 8 of 1,613,628 alleles (0.0005%); highest among the groups gnomAD compares: East Asian, 0.016%; no homozygotes.

Submissions (2):

PreventionGenetics, part of Exact Sciences
Classification: Uncertain significance for LYST-related condition. Last evaluated: 2025-01-24. Review status: criteria provided, single submitter. Criteria: ACMG Guidelines, 2015. Collection method: clinical testing. Allele origin: germline.
Comment: The LYST c.4972T>C variant is predicted to result in the amino acid substitution p.Phe1658Leu. To our knowledge, this variant has not been reported in the literature. This variant is reported in 0.045% of alleles in individuals of East Asian descent in gnomAD. At this time, the clinical significance of this variant is uncertain due to the absence of conclusive functional and genetic evidence.

Labcorp Genetics (formerly Invitae), Labcorp
Classification: Uncertain significance for Chédiak-Higashi syndrome. Last evaluated: 2022-09-01. Review status: criteria provided, single submitter. Criteria: Invitae Variant Classification Sherloc (09022015). Collection method: clinical testing. Allele origin: germline.
Comment: This sequence change replaces phenylalanine, which is neutral and non-polar, with leucine, which is neutral and non-polar, at codon 1658 of the LYST protein (p.Phe1658Leu). This variant is present in population databases (rs771710044, gnomAD 0.04%). This variant has not been reported in the literature in individuals affected with LYST-related conditions. ClinVar contains an entry for this variant (Variation ID: 1428119). Algorithms developed to predict the effect of missense changes on protein structure and function output the following: SIFT: "Tolerated"; PolyPhen-2: "Benign"; Align-GVGD: "Class C0". The leucine amino acid residue is found in multiple mammalian species, which suggests that this missense change does not adversely affect protein function. In summary, the available evidence is currently insufficient to determine the role of this variant in disease. Therefore, it has been classified as a Variant of Uncertain Significance.